The following is an entry in ClinVar:

NM_001042492.3(NF1):c.6855C>T (p.Tyr2285=)

Gene: NF1 (neurofibromin 1; plus strand). Cytogenetic location: 17q11.2.
Variant type: single nucleotide variant.
Coding change: c.6855C>T on transcript NM_001042492.3 (MANE Select); coding-DNA position 6855, C replaced by T.
Protein change: p.Tyr2285=; no amino-acid change (tyrosine 2285 retained).
Molecular consequence: synonymous variant.
Genome position (GRCh38, 1-based): chr17:31,338,739, C>T. VCF-style: chr17-31338739-C-T. GRCh37 (hg19) VCF-style: chr17-29665757-C-T.
Other names: c.6792C>T, p.Tyr2264= (NM_000267.4).
Identifiers: ClinVar variation 1692346 (VCV001692346.4), dbSNP rs772295894, ClinGen allele CA499234341.

ClinVar aggregate classification (germline): Conflicting classifications of pathogenicity. Review status: criteria provided, conflicting classifications (1 of 4 stars). 4 submissions from 4 submitters: Uncertain significance (3); Benign (1). Last evaluated 2026-06-24.

Conditions:
Hereditary cancer-predisposing syndrome. Also called: Tumor predisposition; Hereditary neoplastic syndrome; Neoplastic Syndromes, Hereditary; Hereditary Cancer Syndrome. Identifiers: Orphanet 140162, MedGen C0027672, MeSH D009386, MONDO:0015356.
Cardiovascular phenotype. Identifiers: MedGen CN230736.
Neurofibromatosis, type 1 (NF1). Also called: NEUROFIBROMATOSIS, TYPE I, SOMATIC; Neurofibromatosis, type I; VON RECKLINGHAUSEN DISEASE; Peripheral type neurofibromatosis. Identifiers: Orphanet 636, MedGen C0027831, MONDO:0018975, OMIM 162200. Disease mechanism: loss of function.

gnomAD v4.1: 1 of 1,613,318 alleles (0.000062%); highest among the groups gnomAD compares: Non-Finnish European, 0.000085%; no homozygotes.

Submissions (4):

Ambry Genetics
Classification: Uncertain significance for Cardiovascular phenotype; Hereditary cancer-predisposing syndrome. Last evaluated: 2026-06-24. Review status: criteria provided, single submitter. Criteria: Ambry Variant Classification Scheme 2023. Collection method: clinical testing. Allele origin: germline.
Comment: The c.6792C>T variant (also known as p.Y2264Y), located in coding exon 45 of the NF1 gene, results from a C to T substitution at nucleotide position 6792. This nucleotide substitution does not change the tyrosine at codon 2264. This nucleotide position is well conserved in available vertebrate species. In silico splice site analysis predicts that this alteration will not have any significant effect on splicing. RNA studies have demonstrated that this variant results in an incomplete splice defect; the clinical impact of this abnormal splicing is unknown at this time (Baralle M et al. FEBS Lett, 2006 Aug;580:4449-56; Ambry internal data). Based on the available evidence, the clinical significance of this variant remains unclear.

Myriad Genetics, Inc.
Classification: Benign for Neurofibromatosis, type 1. Last evaluated: 2026-05-21. Review status: criteria provided, single submitter. Criteria: Myriad Autosomal Dominant, Autosomal Recessive and X-Linked Classification Criteria (2023). Collection method: clinical testing. Allele origin: unknown.
Comment: This variant is considered benign. This variant is a silent/synonymous amino acid change and it is not expected to impact splicing.

Labcorp Genetics (formerly Invitae), Labcorp
Classification: Uncertain significance for Neurofibromatosis, type 1. Last evaluated: 2025-02-02. Review status: criteria provided, single submitter. Criteria: Invitae Variant Classification Sherloc (09022015). Collection method: clinical testing. Allele origin: germline.
Comment: This sequence change affects codon 2264 of the NF1 mRNA. It is a 'silent' change, meaning that it does not change the encoded amino acid sequence of the NF1 protein. This variant is not present in population databases (gnomAD no frequency). This variant has not been reported in the literature in individuals affected with NF1-related conditions. ClinVar contains an entry for this variant (Variation ID: 1692346). Studies have shown that this variant alters mRNA splicing and is expected to lead to the loss of protein expression (PMID: 16870183). In summary, the available evidence is currently insufficient to determine the role of this variant in disease. Therefore, it has been classified as a Variant of Uncertain Significance.

Sema4
Classification: Uncertain significance for Hereditary cancer-predisposing syndrome. Last evaluated: 2021-06-16. Review status: criteria provided, single submitter. Criteria: Sema4 Curation Guidelines. Collection method: curation. Allele origin: germline.
Comment: To the best of our knowledge, the NF1 c.6792C>T (p.Y2264=) variant has not been reported in individuals with NF1-related disease. It was not observed in the large and broad cohorts of the Genome Aggregation Database (PMID: 32461654). The variant has not been reported in ClinVar. In silico tools suggest that the variant disrupts an exonic splicing enhancer and a functional study demonstrated the variant to result in aberrant splicing (PMID: 16870183). The evidence is insufficient to meet ACMG/AMP criteria for classifying the variant as benign or pathogenic. Thus, the clinical significance of this variant is currently uncertain.

Literature cited by the submitters: PubMed 16870183 (cited by 3 submitters).